The following is an entry in ClinVar:

ClinVar aggregate classification (germline): Uncertain significance (1 of 4 stars; one submission).

Allele frequency attached by ClinVar (database versions not stated): gnomAD 0.00001; TOPMed 0.00001.
gnomAD v4.1: 2 of 985,228 alleles (0.0002%); highest among the groups gnomAD compares: Non-Finnish European, 0.00024%; no homozygotes.

Submission:

Institute for Clinical Genetics, University Hospital TU Dresden, University Hospital TU Dresden
Classification: Uncertain significance. Last evaluated: 2023-05-26. Review status: criteria provided, single submitter. Criteria: ACMG Guidelines, 2015. Collection method: clinical testing. Allele origin: germline.
Comment: PM2_SUP

NM_001313726.2(ANO3):c.46T>C (p.Phe16Leu)

Gene: ANO3 (anoctamin 3; plus strand). Cytogenetic location: 11p14.3.
Variant type: single nucleotide variant.
Coding change: c.46T>C on transcript NM_001313726.2; coding-DNA position 46, T replaced by C.
Protein change: p.Phe16Leu; replaces phenylalanine 16 with leucine.
Molecular consequence: missense variant.
Genome position (GRCh38, 1-based): chr11:26,189,222, T>C. VCF-style: chr11-26189222-T-C. GRCh37 (hg19) VCF-style: chr11-26210769-T-C.
Other names: short protein forms F16L.
Identifiers: ClinVar variation 2576145 (VCV002576145.1), dbSNP rs1363067375, ClinGen allele CA473633673.
Genomic context (GRCh38, chr11:26,189,222, plus strand): 5'-TATGGGAATTTTGCAATGTCAGTTTTAAAATTTGAACTGGATAATTTTTCTCCTGAAGGC[T>C]TCAGACATGAGCACGCTTCCAACTCATGTTTTGCTTTACCCTGTTTGACTGAACTCTCTG-3'